The following is an entry in ClinVar:

ClinVar aggregate classification (germline): Uncertain significance (1 of 4 stars; one submission).

Conditions:
X-linked myopathy with excessive autophagy (AVM). Also called: Vacuolar myopathy; Autophagic vacuolar myopathy. Identifiers: Orphanet 25980, MedGen C1839615, MONDO:0010684, OMIM 310440.

Submission:

Labcorp Genetics (formerly Invitae), Labcorp
Classification: Uncertain significance for X-linked myopathy with excessive autophagy. Last evaluated: 2022-07-29. Review status: criteria provided, single submitter. Criteria: Invitae Variant Classification Sherloc (09022015). Collection method: clinical testing. Allele origin: germline.
Comment: This sequence change replaces glycine, which is neutral and non-polar, with arginine, which is basic and polar, at codon 58 of the VMA21 protein (p.Gly58Arg). This variant is not present in population databases (gnomAD no frequency). This variant has not been reported in the literature in individuals affected with VMA21-related conditions. Algorithms developed to predict the effect of missense changes on protein structure and function are either unavailable or do not agree on the potential impact of this missense change (SIFT: "Not Available"; PolyPhen-2: "Probably Damaging"; Align-GVGD: "Not Available"). In summary, the available evidence is currently insufficient to determine the role of this variant in disease. Therefore, it has been classified as a Variant of Uncertain Significance.

NM_001017980.4(VMA21):c.172G>A (p.Gly58Arg)

Gene: VMA21 (vacuolar ATPase assembly factor VMA21; plus strand). Cytogenetic location: Xq28.
Variant type: single nucleotide variant.
Coding change: c.172G>A on transcript NM_001017980.4 (MANE Select); coding-DNA position 172, G replaced by A.
Protein change: p.Gly58Arg; replaces glycine 58 with arginine.
Molecular consequence: missense variant.
Genome position (GRCh38, 1-based): chrX:151,404,924, G>A. VCF-style: chrX-151404924-G-A. GRCh37 (hg19) VCF-style: chrX-150573396-G-A.
Other names: c.337G>A, p.Gly113Arg (NM_001363810.1); short protein forms G113R, G58R.
Identifiers: ClinVar variation 1714261 (VCV001714261.5), dbSNP rs2520632321, ClinGen allele CA415271139.